The following is an entry in ClinVar:

NM_001099289.3(SH3RF3):c.1250C>T (p.Ala417Val)

Genes: RANBP2 (RAN binding protein 2; plus strand), SH3RF3 (SH3 domain containing ring finger 3; plus strand). Cytogenetic location: 2q13.
Variant type: single nucleotide variant.
Coding change: c.1250C>T on transcript NM_001099289.3 (MANE Select); coding-DNA position 1250, C replaced by T.
Protein change: p.Ala417Val; replaces alanine 417 with valine.
Molecular consequence: missense variant.
Genome position (GRCh38, 1-based): chr2:109,398,894, C>T. VCF-style: chr2-109398894-C-T. GRCh37 (hg19) VCF-style: chr2-110015350-C-T.
Other names: short protein forms A417V.
Identifiers: ClinVar variation 2349124 (VCV002349124.2), dbSNP rs746149562, ClinGen allele CA1825578.

ClinVar aggregate classification (germline): Uncertain significance (1 of 4 stars; one submission).

Allele frequency attached by ClinVar (database versions not stated): gnomAD exomes 0.00011; ExAC 0.00014; gnomAD 0.00015; TOPMed 0.00015.
gnomAD v4.1: 198 of 1,613,598 alleles (0.012%); highest among the groups gnomAD compares: East Asian, 0.0045%; no homozygotes.

Submission:

Ambry Genetics
Classification: Uncertain significance. Last evaluated: 2022-12-06. Review status: criteria provided, single submitter. Criteria: Ambry Variant Classification Scheme 2023. Collection method: clinical testing. Allele origin: germline.
Comment: The c.1250C>T (p.A417V) alteration is located in exon (coding exon ) of the SH3RF3 gene. This alteration results from a C to T substitution at nucleotide position 1250, causing the alanine (A) at amino acid position 417 to be replaced by a valine (V). Based on insufficient or conflicting evidence, the clinical significance of this alteration remains unclear.